The following is an entry in ClinVar:

ClinVar aggregate classification (germline): Uncertain significance. Review status: criteria provided, multiple submitters, no conflicts (2 of 4 stars). 2 submissions from 2 submitters: Uncertain significance (2). Last evaluated 2025-01-01.

Conditions:
Early-infantile DEE. Also called: Early infantile epileptic encephalopathy; Early infantile epileptic encephalopathy with suppression bursts; Ohtahara syndrome. Identifiers: Orphanet 1934, MedGen C0393706, MONDO:0800491.

Submissions (2):

CeGaT Center for Human Genetics Tuebingen
Classification: Uncertain significance. Last evaluated: 2025-01-01. Review status: criteria provided, single submitter. Criteria: CeGaT Center For Human Genetics Tuebingen Variant Classification Criteria Version 2. Collection method: clinical testing. Allele origin: germline. Affected: yes. Observed: 1 variant allele.
Comment: SCN1A: PM2, PP2, PP3

Labcorp Genetics (formerly Invitae), Labcorp
Classification: Uncertain significance for Early-infantile DEE. Last evaluated: 2022-06-27. Review status: criteria provided, single submitter. Criteria: Invitae Variant Classification Sherloc (09022015). Collection method: clinical testing. Allele origin: germline.
Comment: In summary, the available evidence is currently insufficient to determine the role of this variant in disease. Therefore, it has been classified as a Variant of Uncertain Significance. Algorithms developed to predict the effect of sequence changes on RNA splicing suggest that this variant may create or strengthen a splice site. Advanced modeling of protein sequence and biophysical properties (such as structural, functional, and spatial information, amino acid conservation, physicochemical variation, residue mobility, and thermodynamic stability) performed at Invitae indicates that this missense variant is expected to disrupt SCN1A protein function. ClinVar contains an entry for this variant (Variation ID: 1041578). This variant has not been reported in the literature in individuals affected with SCN1A-related conditions. This variant is not present in population databases (gnomAD no frequency). This sequence change replaces asparagine, which is neutral and polar, with serine, which is neutral and polar, at codon 1282 of the SCN1A protein (p.Asn1282Ser).

NM_001165963.4(SCN1A):c.3845A>G (p.Asn1282Ser)

Genes: SCN1A (sodium voltage-gated channel alpha subunit 1; minus strand), LOC102724058 (uncharacterized LOC102724058; plus strand). Cytogenetic location: 2q24.3.
Variant type: single nucleotide variant.
Coding change: c.3845A>G on transcript NM_001165963.4 (MANE Select); coding-DNA position 3845, A replaced by G.
Protein change: p.Asn1282Ser; replaces asparagine 1282 with serine.
Molecular consequence: missense variant. On other transcripts: non-coding transcript variant (1).
Genome position (GRCh38, 1-based): chr2:166,012,143, T>C on the plus strand (A>G on the coding strand, the complement: SCN1A is on the minus strand). VCF-style: chr2-166012143-T-C. GRCh37 (hg19) VCF-style: chr2-166868653-T-C.
Other names: c.3761A>G, p.Asn1254Ser (NM_001165964.3, NM_001353957.2, NM_001353958.2); c.3845A>G, p.Asn1282Ser (NM_001202435.3, NM_001353948.2); c.3812A>G, p.Asn1271Ser (NM_001353949.2, NM_001353950.2, NM_001353951.2 and 2 more transcripts); c.3809A>G, p.Asn1270Ser (NM_001353954.2, NM_001353955.2); c.3758A>G, p.Asn1253Ser (NM_001353960.2); c.1403A>G, p.Asn468Ser (NM_001353961.2); short protein forms N1254S, N468S, N1282S, N1253S, N1270S, N1271S.
Identifiers: ClinVar variation 1041578 (VCV001041578.22), dbSNP rs1692549264, ClinGen allele CA349054009.